The following is an entry in ClinVar:

ClinVar aggregate classification (germline): Pathogenic (1 of 4 stars; one submission).

Submission:

Labcorp Genetics (formerly Invitae), Labcorp
Classification: Pathogenic. Last evaluated: 2023-08-28. Review status: criteria provided, single submitter. Criteria: Invitae Variant Classification Sherloc (09022015). Collection method: clinical testing. Allele origin: germline.
Comment: For these reasons, this variant has been classified as Pathogenic. This variant has not been reported in the literature in individuals affected with MYO15A-related conditions. This variant is not present in population databases (gnomAD no frequency). This sequence change creates a premature translational stop signal (p.Ala1350Glufs*34) in the MYO15A gene. It is expected to result in an absent or disrupted protein product. Loss-of-function variants in MYO15A are known to be pathogenic (PMID: 17546645).

Literature cited by the submitters: PubMed 17546645.

NM_016239.4(MYO15A):c.4049del (p.Ala1350fs)

Gene: MYO15A (myosin XVA; plus strand). Cytogenetic location: 17p11.2.
Variant type: Deletion.
Coding change: c.4049del on transcript NM_016239.4 (MANE Select); coding-DNA position 4049, one base deleted (C; older notation c.4049delC).
Protein change: p.Ala1350fs; shifts the reading frame from alanine 1350.
Molecular consequence: frameshift variant.
Genome position (GRCh38, 1-based): chr17:18,131,249, C deleted. VCF-style (leftmost placement, unchanged base first): chr17-18131248-GC-G. GRCh37 (hg19) VCF-style: chr17-18034562-GC-G.
Other names: short protein forms A1350fs.
Identifiers: ClinVar variation 2755280 (VCV002755280.3), dbSNP rs2545219953, ClinGen allele CA2697559451.